The following is an entry in ClinVar:

NM_000395.3(CSF2RB):c.2627C>A (p.Ala876Asp)

Gene: CSF2RB (colony stimulating factor 2 receptor subunit beta; plus strand). Cytogenetic location: 22q12.3.
Variant type: single nucleotide variant.
Coding change: c.2627C>A on transcript NM_000395.3 (MANE Select); coding-DNA position 2627, C replaced by A.
Protein change: p.Ala876Asp; replaces alanine 876 with aspartic acid.
Molecular consequence: missense variant.
Genome position (GRCh38, 1-based): chr22:36,938,435, C>A. VCF-style: chr22-36938435-C-A. GRCh37 (hg19) VCF-style: chr22-37334477-C-A.
Other names: c.2645C>A, p.Ala882Asp (NM_001410827.1); short protein forms A876D, A882D.
Identifiers: ClinVar variation 4768534 (VCV004768534.1).

ClinVar aggregate classification (germline): Uncertain significance (1 of 4 stars; one submission).

Submission:

Labcorp Genetics (formerly Invitae), Labcorp
Classification: Uncertain significance. Last evaluated: 2025-07-27. Review status: criteria provided, single submitter. Criteria: Invitae Variant Classification Sherloc (09022015). Collection method: clinical testing. Allele origin: germline.
Comment: This sequence change replaces alanine, which is neutral and non-polar, with aspartic acid, which is acidic and polar, at codon 876 of the CSF2RB protein (p.Ala876Asp). This variant is not present in population databases (gnomAD no frequency). This variant has not been reported in the literature in individuals affected with CSF2RB-related conditions. An algorithm developed to predict the effect of missense changes on protein structure and function (PolyPhen-2) suggests that this variant is likely to be disruptive. In summary, the available evidence is currently insufficient to determine the role of this variant in disease. Therefore, it has been classified as a Variant of Uncertain Significance.